The following is an entry in ClinVar:

ClinVar aggregate classification (germline): Likely benign. Review status: criteria provided, multiple submitters, no conflicts (2 of 4 stars). 3 submissions from 3 submitters: Likely benign (3). Last evaluated 2025-10-09.

Conditions:
LAMA3-related disorder. Also called: LAMA3-related disorders; LAMA3-related condition.

Allele frequency attached by ClinVar (database versions not stated): gnomAD 0.00017 and 0.00019; 1000 Genomes Project 30x 0.00016; ESP Exome Variant Server 0.00023; TOPMed 0.00015; 1000 Genomes Project 0.00020.
gnomAD v4.1: 158 of 1,614,016 alleles (0.0098%); highest among the groups gnomAD compares: East Asian, 0.056%; 4 homozygotes.

Submissions (3):

PreventionGenetics, part of Exact Sciences
Classification: Likely benign for LAMA3-related condition. Last evaluated: 2025-10-09. Review status: criteria provided, single submitter. Criteria: ACMG Guidelines, 2015. Collection method: clinical testing. Allele origin: germline.
Comment: This variant is classified as likely benign based on ACMG/AMP sequence variant interpretation guidelines (Richards et al. 2015 PMID: 25741868, with internal and published modifications).

Blueprint Genetics
Classification: Likely benign. Last evaluated: 2024-07-12. Review status: criteria provided, single submitter. Criteria: ACMG Guidelines, 2015. Collection method: clinical testing. Allele origin: germline.

Labcorp Genetics (formerly Invitae), Labcorp
Classification: Likely benign. Last evaluated: 2022-08-31. Review status: criteria provided, single submitter. Criteria: Invitae Variant Classification Sherloc (09022015). Collection method: clinical testing. Allele origin: germline.

NM_198129.4(LAMA3):c.3027C>T (p.Ile1009=)

Gene: LAMA3 (laminin subunit alpha 3; plus strand). Cytogenetic location: 18q11.2.
Variant type: single nucleotide variant.
Coding change: c.3027C>T on transcript NM_198129.4 (MANE Select); coding-DNA position 3027, C replaced by T.
Protein change: p.Ile1009=; no amino-acid change (isoleucine 1009 retained).
Molecular consequence: synonymous variant.
Genome position (GRCh38, 1-based): chr18:23,837,023, C>T. VCF-style: chr18-23837023-C-T. GRCh37 (hg19) VCF-style: chr18-21416987-C-T.
Other names: c.3027C>T, p.Ile1009= (NM_001127717.4).
Identifiers: ClinVar variation 719115 (VCV000719115.13), dbSNP rs372276274, ClinGen allele CA8915138.